The following is an entry in ClinVar:

NM_006946.4(SPTBN2):c.5057G>A (p.Arg1686Gln)

Gene: SPTBN2 (spectrin beta, non-erythrocytic 2; minus strand). Cytogenetic location: 11q13.2.
Variant type: single nucleotide variant.
Coding change: c.5057G>A on transcript NM_006946.4 (MANE Select); coding-DNA position 5057, G replaced by A.
Protein change: p.Arg1686Gln; replaces arginine 1686 with glutamine.
Molecular consequence: missense variant.
Genome position (GRCh38, 1-based): chr11:66,692,669, C>T on the plus strand (G>A on the coding strand, the complement: SPTBN2 is on the minus strand). VCF-style: chr11-66692669-C-T. GRCh37 (hg19) VCF-style: chr11-66460140-C-T.
Other names: c.5078G>A, p.Arg1693Gln (NM_001411025.1); short protein forms R1686Q, R1693Q.
Identifiers: ClinVar variation 1806938 (VCV001806938.2), dbSNP rs751117747, ClinGen allele CA6128379.
Genomic context (GRCh38, chr11:66,692,669, plus strand): 5'-AGGTCATCCAGCTCGCGGCGGAGCTGGCACAGCCGGAGGTGCTCCTGCAGGCGCTCCCGC[C>T]GCTCTCCAGCCAGCTCCTTCAGGCCGGCATACAGCTTGTCCACCTGGGCTTGGCGGATGG-3'
Protein context (NP_008877.2, residues 1676-1696): YAGLKELAGE[Arg1686Gln]RERLQEHLRL

ClinVar aggregate classification (germline): Uncertain significance. Review status: criteria provided, multiple submitters, no conflicts (2 of 4 stars). 2 submissions from 2 submitters: Uncertain significance (2). Last evaluated 2026-10-01.

Allele frequency attached by ClinVar (database versions not stated): ExAC 0.00001; TOPMed 0.00002; gnomAD 0.00003.
gnomAD v4.1: 15 of 1,605,386 alleles (0.00093%); highest among the groups gnomAD compares: South Asian, 0.0066%; no homozygotes.

Submissions (2):

CeGaT Center for Human Genetics Tuebingen
Classification: Uncertain significance. Last evaluated: 2026-10-01. Review status: criteria provided, single submitter. Criteria: CeGaT Center For Human Genetics Tuebingen Variant Classification Criteria Version 2. Collection method: clinical testing. Allele origin: germline. Affected: yes. Observed: 1 variant allele.
Comment: SPTBN2: PM2

Athena Diagnostics
Classification: Uncertain significance. Last evaluated: 2022-03-18. Review status: criteria provided, single submitter. Criteria: Athena Diagnostics Criteria. Collection method: clinical testing. Allele origin: unknown.

Literature cited by the submitters: PubMed 33912281 (cited by Athena Diagnostics).